The following is an entry in ClinVar:

NM_015015.3(KDM4B):c.589A>G (p.Ser197Gly)

Gene: KDM4B (lysine demethylase 4B; plus strand). Cytogenetic location: 19p13.3.
Variant type: single nucleotide variant.
Coding change: c.589A>G on transcript NM_015015.3 (MANE Select); coding-DNA position 589, A replaced by G.
Protein change: p.Ser197Gly; replaces serine 197 with glycine.
Molecular consequence: missense variant.
Genome position (GRCh38, 1-based): chr19:5,047,632, A>G. VCF-style: chr19-5047632-A-G. GRCh37 (hg19) VCF-style: chr19-5047643-A-G.
Other names: c.589A>G, p.Ser197Gly (NM_001370093.1, NM_001370094.1, NM_001411148.1); short protein forms S197G.
Identifiers: ClinVar variation 2581905 (VCV002581905.2), dbSNP rs2512269791, ClinGen allele CA403493100.
Genomic context (GRCh38, chr19:5,047,632, plus strand): 5'-CTGTACTTCGGCATGTGGAAGACCACCTTCGCCTGGCACACCGAGGACATGGACCTGTAC[A>G]GCATCAACTACCTGCACTTTGGGGAGCCTAAGTCCTGGTGAGTGTCTGCACTGGCCCTGC-3'
Protein context (NP_055830.1, residues 187-207): AWHTEDMDLY[Ser197Gly]INYLHFGEPK

ClinVar aggregate classification (germline): Uncertain significance (1 of 4 stars; one submission).

Submission:

GeneDx
Classification: Uncertain significance. Last evaluated: 2025-01-16. Review status: criteria provided, single submitter. Criteria: GeneDx Variant Classification Process June 2021. Collection method: clinical testing. Allele origin: germline. Affected: yes.
Comment: Has not been previously published as pathogenic or benign to our knowledge; Not observed at significant frequency in large population cohorts (gnomAD); In silico analysis supports that this missense variant has a deleterious effect on protein structure/function